The following is an entry in ClinVar:

ClinVar aggregate classification (germline): Uncertain significance (1 of 4 stars; one submission).

Conditions:
Immunodeficiency 18 (IMD18). Also called: CD3epsilon deficiency; CD3-EPSILON DEFICIENCY. Identifiers: MedGen C3810127, MONDO:0014278, OMIM 615615.

Submission:

Labcorp Genetics (formerly Invitae), Labcorp
Classification: Uncertain significance for Immunodeficiency 18. Last evaluated: 2021-09-29. Review status: criteria provided, single submitter. Criteria: Invitae Variant Classification Sherloc (09022015). Collection method: clinical testing. Allele origin: germline.
Comment: This sequence change replaces aspartic acid with tyrosine at codon 137 of the CD3E protein (p.Asp137Tyr). The aspartic acid residue is highly conserved and there is a large physicochemical difference between aspartic acid and tyrosine. This variant is not present in population databases (ExAC no frequency). This variant has not been reported in the literature in individuals affected with CD3E-related conditions. Algorithms developed to predict the effect of missense changes on protein structure and function (SIFT, PolyPhen-2, Align-GVGD) all suggest that this variant is likely to be disruptive. In summary, the available evidence is currently insufficient to determine the role of this variant in disease. Therefore, it has been classified as a Variant of Uncertain Significance.

NM_000733.4(CD3E):c.409G>T (p.Asp137Tyr)

Gene: CD3E (CD3 epsilon subunit of T-cell receptor complex; plus strand). Cytogenetic location: 11q23.3.
Variant type: single nucleotide variant.
Coding change: c.409G>T on transcript NM_000733.4 (MANE Select); coding-DNA position 409, G replaced by T.
Protein change: p.Asp137Tyr; replaces aspartic acid 137 with tyrosine.
Molecular consequence: missense variant.
Genome position (GRCh38, 1-based): chr11:118,313,763, G>T. VCF-style: chr11-118313763-G-T. GRCh37 (hg19) VCF-style: chr11-118184478-G-T.
Other names: short protein forms D137Y.
Identifiers: ClinVar variation 1450776 (VCV001450776.3), dbSNP rs2134767843, ClinGen allele CA382783884.